The following is an entry in ClinVar:

ClinVar aggregate classification (germline): Likely pathogenic. Review status: criteria provided, multiple submitters, no conflicts (2 of 4 stars). 2 submissions from 2 submitters: Likely pathogenic (2). Last evaluated 2026-02-24.

Conditions:
Retinal disorder. Also called: Retinopathy; Retinopathies; Retinal Diseases; Retinal disorders. Identifiers: MedGen C0035309, MONDO:0005283, HP:0000488.

Submissions (2):

Genetics Laboratory, Great Ormond Street Hospital NHS Foundation Trust, North Thames Genomic Laboratory Hub
Classification: Likely pathogenic for Retinal disorders. Last evaluated: 2026-02-24. Review status: criteria provided, single submitter. Criteria: ACGS Best Practice Guidelines for Variant Classification in Rare Disease 2024 v1.2. Collection method: clinical testing. Allele origin: germline. Affected: yes.
Comment: PS4_supporting, PM2_moderate, PP3_supporting, PM5_moderate

CeGaT Center for Human Genetics Tuebingen
Classification: Likely pathogenic. Last evaluated: 2025-07-01. Review status: criteria provided, single submitter. Criteria: CeGaT Center For Human Genetics Tuebingen Variant Classification Criteria Version 2. Collection method: clinical testing. Allele origin: germline. Affected: yes. Observed: 2 variant alleles.
Comment: NDP: PM1, PM2, PM5, PP3, PS4:Supporting

NM_000266.4(NDP):c.128A>G (p.His43Arg)

Genes: NDP (norrin cystine knot growth factor NDP; minus strand), NDP-AS1 (NDP antisense RNA 1; plus strand). Cytogenetic location: Xp11.3.
Variant type: single nucleotide variant.
Coding change: c.128A>G on transcript NM_000266.4 (MANE Select); coding-DNA position 128, A replaced by G.
Protein change: p.His43Arg; replaces histidine 43 with arginine.
Molecular consequence: missense variant.
Genome position (GRCh38, 1-based): chrX:43,958,518, T>C on the plus strand (A>G on the coding strand, the complement: NDP is on the minus strand). VCF-style: chrX-43958518-T-C. GRCh37 (hg19) VCF-style: chrX-43817764-T-C.
Other names: short protein forms H43R.
Identifiers: ClinVar variation 3898476 (VCV003898476.8).
Genomic context (GRCh38, chrX:43,958,518, plus strand): 5'-GACCTTGGTCTTACCTTTGAGCTACACTTGTACAATGGGTGACTGATAGAATCCACATAG[T>C]GGTGCCTCATGCAGCGTCGAGGGTCCGAGTCCATTATGAATGAGCTGTCCGTTTTACTGT-3'
Protein context (NP_000257.1, residues 33-53): DSDPRRCMRH[His43Arg]YVDSISHPLY